The following is an entry in ClinVar:

NM_000179.3(MSH6):c.3209del (p.Gly1070fs)

Gene: MSH6 (mutS homolog 6; plus strand). Cytogenetic location: 2p16.3.
Variant type: Deletion.
Coding change: c.3209del on transcript NM_000179.3 (MANE Select); coding-DNA position 3209, one base deleted (G; older notation c.3209delG).
Protein change: p.Gly1070fs; shifts the reading frame from glycine 1070.
Molecular consequence: frameshift variant.
Genome position (GRCh38, 1-based): chr2:47,803,456, G deleted; the last of 5 consecutive G bases (chr2:47,803,452-47,803,456); deleting any one gives the same sequence. VCF-style (leftmost placement, unchanged base first): chr2-47803451-AG-A. GRCh37 (hg19) VCF-style: chr2-48030590-AG-A.
Other names: c.3209delG (NM_000179.2); c.2819del, p.Gly940fs (NM_001281492.2); c.2303del, p.Gly768fs (NM_001281493.2, NM_001281494.2); short protein forms G768fs, G1070fs, G940fs.
Identifiers: ClinVar variation 647287 (VCV000647287.13), dbSNP rs1315445200, ClinGen allele CA426121763.

ClinVar aggregate classification (germline): Pathogenic. Review status: criteria provided, multiple submitters, no conflicts (2 of 4 stars). 3 submissions from 3 submitters: Pathogenic (3). Last evaluated 2023-08-22.

Conditions:
Hereditary cancer-predisposing syndrome. Also called: Hereditary Cancer Syndrome; Tumor predisposition; Hereditary neoplastic syndrome; Neoplastic Syndromes, Hereditary. Identifiers: Orphanet 140162, MedGen C0027672, MeSH D009386, MONDO:0015356.
Lynch syndrome 5 (LYNCH5). Also called: Colorectal cancer, hereditary nonpolyposis, type 5; Hereditary non-polyposis colorectal cancer, type 5. Identifiers: Orphanet 144, MedGen C1833477, MONDO:0013710, OMIM 614350. Disease mechanism: loss of function.
Hereditary nonpolyposis colorectal neoplasms. Identifiers: MedGen C0009405, MeSH D003123.

Submissions (3):

Myriad Genetics, Inc.
Classification: Pathogenic for Lynch syndrome 5. Last evaluated: 2023-08-22. Review status: criteria provided, single submitter. Criteria: Myriad Autosomal Dominant, Autosomal Recessive and X-Linked Classification Criteria (2023). Collection method: clinical testing. Allele origin: unknown.
Comment: This variant is considered pathogenic. This variant creates a frameshift predicted to result in premature protein truncation.

Ambry Genetics
Classification: Pathogenic for Hereditary cancer-predisposing syndrome. Last evaluated: 2022-11-14. Review status: criteria provided, single submitter. Criteria: Ambry Variant Classification Scheme 2023. Collection method: clinical testing. Allele origin: germline.
Comment: The c.3209delG pathogenic mutation, located in coding exon 5 of the MSH6 gene, results from a deletion of one nucleotide at nucleotide position 3209, causing a translational frameshift with a predicted alternate stop codon (p.G1070Vfs*9). This alteration is expected to result in loss of function by premature protein truncation or nonsense-mediated mRNA decay. As such, this alteration is interpreted as a disease-causing mutation.

Labcorp Genetics (formerly Invitae), Labcorp
Classification: Pathogenic for Hereditary nonpolyposis colorectal neoplasms. Last evaluated: 2019-03-01. Review status: criteria provided, single submitter. Criteria: Invitae Variant Classification Sherloc (09022015). Collection method: clinical testing. Allele origin: germline.
Comment: For these reasons, this variant has been classified as Pathogenic. Loss-of-function variants in MSH6 are known to be pathogenic (PMID: 18269114, 24362816). This variant has not been reported in the literature in individuals with MSH6-related disease. This variant is not present in population databases (ExAC no frequency). This sequence change creates a premature translational stop signal (p.Gly1070Valfs*9) in the MSH6 gene. It is expected to result in an absent or disrupted protein product.

Literature cited by the submitters: PubMed 18269114 (cited by Labcorp Genetics (formerly Invitae), Labcorp); PubMed 24362816 (cited by Labcorp Genetics (formerly Invitae), Labcorp).